The following is an entry in ClinVar:

ClinVar aggregate classification (germline): Pathogenic/Likely pathogenic. Review status: criteria provided, multiple submitters, no conflicts (2 of 4 stars). 2 submissions from 2 submitters: Pathogenic (1); Likely pathogenic (1). Last evaluated 2024-02-24.

Conditions:
Hermansky-Pudlak syndrome 2 (HPS2). Also called: Platelet defects and oculocutaneous albinism. Identifiers: Orphanet 183678, Orphanet 79430, MedGen C1842362, MONDO:0011997, OMIM 608233.

Allele frequency attached by ClinVar (database versions not stated): TOPMed below 0.00001; gnomAD 0.00001.
gnomAD v4.1: 4 of 1,612,842 alleles (0.00025%); highest among the groups gnomAD compares: Admixed American, 0.0017%; no homozygotes.

Submissions (2):

Labcorp Genetics (formerly Invitae), Labcorp
Classification: Pathogenic for Hermansky-Pudlak syndrome 2. Last evaluated: 2024-02-24. Review status: criteria provided, single submitter. Criteria: Invitae Variant Classification Sherloc (09022015). Collection method: clinical testing. Allele origin: germline.
Comment: This sequence change creates a premature translational stop signal (p.Arg649*) in the AP3B1 gene. It is expected to result in an absent or disrupted protein product. Loss-of-function variants in AP3B1 are known to be pathogenic (PMID: 16507770, 23403622). This variant is not present in population databases (gnomAD no frequency). This variant has not been reported in the literature in individuals affected with AP3B1-related conditions. ClinVar contains an entry for this variant (Variation ID: 2088339). For these reasons, this variant has been classified as Pathogenic.

Baylor Genetics
Classification: Likely pathogenic for Hermansky-Pudlak syndrome 2. Last evaluated: 2022-05-13. Review status: criteria provided, single submitter. Criteria: ACMG Guidelines, 2015. Collection method: clinical testing. Allele origin: unknown.

Literature cited by the submitters: PubMed 16507770 (cited by Labcorp Genetics (formerly Invitae), Labcorp); PubMed 23403622 (cited by Labcorp Genetics (formerly Invitae), Labcorp).

NM_003664.5(AP3B1):c.1945C>T (p.Arg649Ter)

Gene: AP3B1 (adaptor related protein complex 3 subunit beta 1; minus strand). Cytogenetic location: 5q14.1.
Variant type: single nucleotide variant.
Coding change: c.1945C>T on transcript NM_003664.5 (MANE Select); coding-DNA position 1945, C replaced by T.
Protein change: p.Arg649Ter; replaces arginine 649 with a stop codon.
Molecular consequence: nonsense.
Genome position (GRCh38, 1-based): chr5:78,128,053, G>A on the plus strand (C>T on the coding strand, the complement: AP3B1 is on the minus strand). VCF-style: chr5-78128053-G-A. GRCh37 (hg19) VCF-style: chr5-77423877-G-A.
Other names: c.1798C>T, p.Arg600Ter (NM_001271769.2); c.1945C>T, p.Arg649Ter (NM_001410752.1); short protein forms R649*, R600*.
Identifiers: ClinVar variation 2088339 (VCV002088339.5), dbSNP rs370293290, ClinGen allele CA360187000.